The following is an entry in ClinVar:

NM_000094.4(COL7A1):c.6622G>C (p.Glu2208Gln)

Gene: COL7A1 (collagen type VII alpha 1 chain; minus strand). Cytogenetic location: 3p21.31.
Variant type: single nucleotide variant.
Coding change: c.6622G>C on transcript NM_000094.4 (MANE Select); coding-DNA position 6622, G replaced by C.
Protein change: p.Glu2208Gln; replaces glutamic acid 2208 with glutamine.
Molecular consequence: missense variant.
Genome position (GRCh38, 1-based): chr3:48,573,345, C>G on the plus strand (G>C on the coding strand, the complement: COL7A1 is on the minus strand). VCF-style: chr3-48573345-C-G. GRCh37 (hg19) VCF-style: chr3-48610778-C-G.
Other names: short protein forms E2208Q.
Identifiers: ClinVar variation 4702458 (VCV004702458.1).

ClinVar aggregate classification (germline): Uncertain significance (1 of 4 stars; one submission).

gnomAD v4.1: 4 of 1,614,034 alleles (0.00025%); highest among the groups gnomAD compares: Admixed American, 0.005%; no homozygotes.

Submission:

Labcorp Genetics (formerly Invitae), Labcorp
Classification: Uncertain significance. Last evaluated: 2025-03-13. Review status: criteria provided, single submitter. Criteria: Invitae Variant Classification Sherloc (09022015). Collection method: clinical testing. Allele origin: germline.
Comment: This sequence change replaces glutamic acid, which is acidic and polar, with glutamine, which is neutral and polar, at codon 2208 of the COL7A1 protein (p.Glu2208Gln). This variant is present in population databases (rs749264275, gnomAD 0.009%). This variant has not been reported in the literature in individuals affected with COL7A1-related conditions. Invitae Evidence Modeling of protein sequence and biophysical properties (such as structural, functional, and spatial information, amino acid conservation, physicochemical variation, residue mobility, and thermodynamic stability) indicates that this missense variant is not expected to disrupt COL7A1 protein function with a negative predictive value of 95%. In summary, the available evidence is currently insufficient to determine the role of this variant in disease. Therefore, it has been classified as a Variant of Uncertain Significance.